The following is an entry in ClinVar:

ClinVar aggregate classification (germline): Likely pathogenic. Review status: criteria provided, multiple submitters, no conflicts (2 of 4 stars). 2 submissions from 2 submitters: Likely pathogenic (2). Last evaluated 2025-03-11.

Conditions:
Ataxia-telangiectasia syndrome (AT). Also called: LOUIS-BAR SYNDROME; Cerebello-oculocutaneous telangiectasia; Immunodeficiency with ataxia telangiectasia; ATAXIA-TELANGIECTASIA, COMPLEMENTATION GROUP A; ATAXIA-TELANGIECTASIA, FRESNO VARIANT; Ataxia-telangiectasia, complementation group D. Identifiers: Orphanet 100, MedGen C0004135, MONDO:0008840, OMIM 208900.
Hereditary cancer-predisposing syndrome. Also called: Neoplastic Syndromes, Hereditary; Hereditary neoplastic syndrome; Tumor predisposition; Hereditary Cancer Syndrome. Identifiers: Orphanet 140162, MedGen C0027672, MeSH D009386, MONDO:0015356.

Submissions (2):

Ambry Genetics
Classification: Likely pathogenic for Hereditary cancer-predisposing syndrome. Last evaluated: 2025-03-11. Review status: criteria provided, single submitter. Criteria: Ambry Variant Classification Scheme 2023. Collection method: clinical testing. Allele origin: germline.
Comment: The c.5320-2A>T intronic variant results from an A to T substitution two nucleotides upstream from coding exon 35 in the ATM gene. This nucleotide position is highly conserved in available vertebrate species. In silico splice site analysis predicts that this alteration will weaken the native splice acceptor site and will result in the creation or strengthening of a novel splice acceptor site. RNA studies have demonstrated that this alteration results in abnormal splicing in the set of samples tested (Ambry internal data). Based on the majority of available evidence to date, this variant is likely to be pathogenic.

Labcorp Genetics (formerly Invitae), Labcorp
Classification: Likely pathogenic for Ataxia-telangiectasia syndrome. Last evaluated: 2024-10-15. Review status: criteria provided, single submitter. Criteria: Invitae Variant Classification Sherloc (09022015). Collection method: clinical testing. Allele origin: germline.
Comment: This sequence change affects an acceptor splice site in intron 35 of the ATM gene. RNA analysis indicates that disruption of this splice site induces altered splicing and may result in an absent or altered protein product. This variant is not present in population databases (gnomAD no frequency). This variant has not been reported in the literature in individuals affected with ATM-related conditions. Studies have shown that disruption of this splice site results in activation of a cryptic splice site, and produces a non-functional protein and/or introduces a premature termination codon (internal data). In summary, the currently available evidence indicates that the variant is pathogenic, but additional data are needed to prove that conclusively. Therefore, this variant has been classified as Likely Pathogenic.

NM_000051.4(ATM):c.5320-2A>T

Gene: ATM (ATM serine/threonine kinase; plus strand). Cytogenetic location: 11q22.3.
Variant type: single nucleotide variant.
Coding change: c.5320-2A>T on transcript NM_000051.4 (MANE Select); the canonical splice acceptor site of the intron before coding-DNA position 5320, A replaced by T.
Molecular consequence: splice acceptor variant.
Genome position (GRCh38, 1-based): chr11:108,302,851, A>T. VCF-style: chr11-108302851-A-T. GRCh37 (hg19) VCF-style: chr11-108173578-A-T.
Other names: c.5320-2A>T (NM_000051.3, NM_001351834.2).
Identifiers: ClinVar variation 3654036 (VCV003654036.3).
Genomic context (GRCh38, chr11:108,302,851, plus strand): 5'-GTAGGAAAGGTACAATGATTTCCACTTCTCTTATTTACATTTTCTAATCCCTTTCTTTCT[A>T]GTTTTTAGAAGTACCCAGATTTGACAAAGAAAACCCTTTTGAAGGCCTGGATGATATAAA-3'